The following is an entry in ClinVar:

ClinVar aggregate classification (germline): Conflicting classifications of pathogenicity. Review status: criteria provided, conflicting classifications (1 of 4 stars). 2 submissions from 2 submitters: Pathogenic (1); Uncertain significance (1). Last evaluated 2019-04-15.

Conditions:
Bethlem myopathy 1A. Also called: Bethlem myopathy 1; MYOPATHY, BENIGN CONGENITAL, WITH CONTRACTURES; Bethlem Muscular Dystrophy. Identifiers: Orphanet 610, MedGen CN029274, MONDO:0024530, OMIM 158810.

Submissions (2):

Labcorp Genetics (formerly Invitae), Labcorp
Classification: Pathogenic for Bethlem myopathy 1. Last evaluated: 2019-04-15. Review status: criteria provided, single submitter. Criteria: Invitae Variant Classification Sherloc (09022015). Collection method: clinical testing. Allele origin: germline.
Comment: This sequence change replaces glycine with valine at codon 301 of the COL6A2 protein (p.Gly301Val). The glycine residue is highly conserved and there is a moderate physicochemical difference between glycine and valine. This variant is not present in population databases (ExAC no frequency). This variant has not been reported in the literature in individuals with autosomal dominant COL6A2-related conditions. ClinVar contains an entry for this variant (Variation ID: 434815). Glycine residues within the Gly-Xaa-Yaa repeats of the triple helix domain are required for the structure and stability of fibrillar collagens (PMID: 7695699, 8218237, 19344236). In COL6A2, missense variants at these glycine residues are significantly enriched in individuals with disease (PMID: 15689448, 24038877) compared to the general population (ExAC). Algorithms developed to predict the effect of sequence changes on RNA splicing suggest that this variant may create or strengthen a splice site, but this prediction has not been confirmed by published transcriptional studies. This variant disrupts the p.Gly301 amino acid residue in COL6A2. Other variant(s) that disrupt this residue (p.Gly301Asp, p.Gly301Cys, p.Gly301Ser) have been determined to be pathogenic in individuals affected with autosomal dominant type VI collagenopathy (PMID: 7785673, 24271325). This suggests that this residue is clinically significant, and that variants that disrupt this residue are likely to be disease-causing. For these reasons, this variant has been classified as Pathogenic.

Genetic Services Laboratory, University of Chicago
Classification: Uncertain significance. Last evaluated: 2015-09-19. Review status: criteria provided, single submitter. Criteria: ACMG Guidelines, 2015. Collection method: clinical testing. Allele origin: germline. Affected: no.

Literature cited by the submitters: PubMed 19344236 (cited by Labcorp Genetics (formerly Invitae), Labcorp); PubMed 7785673 (cited by Labcorp Genetics (formerly Invitae), Labcorp); PubMed 24271325 (cited by Labcorp Genetics (formerly Invitae), Labcorp); PubMed 15689448 (cited by Labcorp Genetics (formerly Invitae), Labcorp); PubMed 24038877 (cited by Labcorp Genetics (formerly Invitae), Labcorp); PubMed 8218237 (cited by Labcorp Genetics (formerly Invitae), Labcorp); PubMed 7695699 (cited by Labcorp Genetics (formerly Invitae), Labcorp).

NM_001849.4(COL6A2):c.902G>T (p.Gly301Val)

Gene: COL6A2 (collagen type VI alpha 2 chain; plus strand). Cytogenetic location: 21q22.3.
Variant type: single nucleotide variant.
Coding change: c.902G>T on transcript NM_001849.4 (MANE Select); coding-DNA position 902, G replaced by T.
Protein change: p.Gly301Val; replaces glycine 301 with valine.
Molecular consequence: missense variant.
Genome position (GRCh38, 1-based): chr21:46,116,378, G>T. VCF-style: chr21-46116378-G-T. GRCh37 (hg19) VCF-style: chr21-47536292-G-T.
Other names: c.902G>T, p.Gly301Val (NM_058174.3, NM_058175.3); short protein forms G301V.
Identifiers: ClinVar variation 434815 (VCV000434815.7), dbSNP rs1555872965, ClinGen allele CA410525586.